The following is an entry in ClinVar:

ClinVar aggregate classification (germline): Benign/Likely benign. Review status: criteria provided, multiple submitters, no conflicts (2 of 4 stars). 21 submissions from 21 submitters: Benign (9); Likely benign (10). 2 of the submissions do not count toward it. Last evaluated 2026-07-01.

Conditions:
Hereditary nonpolyposis colorectal neoplasms. Identifiers: MedGen C0009405, MeSH D003123.
Breast and/or ovarian cancer. Identifiers: MedGen CN221562.
Hereditary cancer-predisposing syndrome. Also called: Neoplastic Syndromes, Hereditary; Tumor predisposition; Hereditary neoplastic syndrome; Hereditary Cancer Syndrome. Identifiers: Orphanet 140162, MedGen C0027672, MeSH D009386, MONDO:0015356.
Lynch syndrome. Identifiers: Orphanet 144, MedGen C4552100, MONDO:0005835. Disease mechanism: loss of function.
Lynch syndrome 5 (LYNCH5). Also called: Colorectal cancer, hereditary nonpolyposis, type 5; Hereditary non-polyposis colorectal cancer, type 5. Identifiers: Orphanet 144, MedGen C1833477, MONDO:0013710, OMIM 614350. Disease mechanism: loss of function.
Malignant tumor of breast. Also called: Malignant breast neoplasm; Cancer breast. Identifiers: MedGen C0006142, MONDO:0007254. Disease mechanism: loss of function.

Allele frequency attached by ClinVar (database versions not stated): ExAC 0.00031; ESP Exome Variant Server 0.00077; TOPMed 0.00089; gnomAD 0.00090 and 0.00101; 1000 Genomes Project 0.00100; 1000 Genomes Project 30x 0.00125.
gnomAD v4.1: 300 of 1,614,212 alleles (0.019%); highest among the groups gnomAD compares: African/African-American, 0.26%; 1 homozygote.

Submissions (21):

CeGaT Center for Human Genetics Tuebingen
Classification: Likely benign. Last evaluated: 2026-07-01. Review status: criteria provided, single submitter. Criteria: CeGaT Center For Human Genetics Tuebingen Variant Classification Criteria Version 2. Collection method: clinical testing. Allele origin: germline. Affected: yes. Observed: 4 variant alleles.
Comment: MSH6: BP4, BP7

Labcorp Genetics (formerly Invitae), Labcorp
Classification: Benign for Hereditary nonpolyposis colorectal neoplasms. Last evaluated: 2026-01-26. Review status: criteria provided, single submitter. Criteria: Invitae Variant Classification Sherloc (09022015). Collection method: clinical testing. Allele origin: germline.

ARUP Laboratories, Molecular Genetics and Genomics, ARUP Laboratories
Classification: Benign. Last evaluated: 2025-07-17. Review status: criteria provided, single submitter. Criteria: ARUP Molecular Germline Variant Investigation Process 2024. Collection method: clinical testing. Allele origin: germline.

Center for Genomic Medicine, Rigshospitalet, Copenhagen University Hospital
Classification: Likely benign. Last evaluated: 2025-03-04. Review status: criteria provided, single submitter. Criteria: ACMG Guidelines, 2015. Collection method: clinical testing. Allele origin: germline.

Blueprint Genetics
Classification: Likely benign. Last evaluated: 2024-06-11. Review status: criteria provided, single submitter. Criteria: ACMG Guidelines, 2015. Collection method: clinical testing. Allele origin: germline.

All of Us Research Program, National Institutes of Health
Classification: Benign for Lynch syndrome. Last evaluated: 2024-02-05. Review status: criteria provided, single submitter. Criteria: ACMG Guidelines, 2015. Collection method: clinical testing. Allele origin: germline. Inheritance: Autosomal dominant inheritance. Observed: 50 variant alleles, 50 heterozygotes.
Comment: This study involves interpretation of variants in research participants for the purpose of population health screening. Participant phenotype was not available at the time of variant classification. Additional details can be found in publication PMID: 35346344, PMCID: PMC8962531

KCCC/NGS Laboratory, Kuwait Cancer Control Center
Classification: Benign for Lynch syndrome 5. Last evaluated: 2023-07-07. Review status: criteria provided, single submitter. Criteria: ACMG Guidelines, 2015. Collection method: clinical testing. Allele origin: germline. Affected: yes.

Myriad Genetics, Inc.
Classification: Benign for Lynch syndrome 5. Last evaluated: 2023-03-29. Review status: criteria provided, single submitter. Criteria: Myriad Autosomal Dominant, Autosomal Recessive and X-Linked Classification Criteria (2023). Collection method: clinical testing. Allele origin: unknown.
Comment: This variant is considered benign. This variant is a silent/synonymous amino acid change and it is not expected to impact splicing.

CHEO Genetics Diagnostic Laboratory, Children's Hospital of Eastern Ontario
Classification: Likely benign for Breast and/or ovarian cancer. Last evaluated: 2023-01-17. Review status: criteria provided, single submitter. Criteria: ACMG Guidelines, 2015. Collection method: clinical testing. Allele origin: germline.

Quest Diagnostics Nichols Institute San Juan Capistrano
Classification: Benign. Last evaluated: 2021-07-21. Review status: criteria provided, single submitter. Criteria: Quest Diagnostics criteria. Collection method: clinical testing. Allele origin: unknown.

Sema4
Classification: Likely benign for Hereditary cancer-predisposing syndrome. Last evaluated: 2021-06-14. Review status: criteria provided, single submitter. Criteria: Sema4 Curation Guidelines. Collection method: curation. Allele origin: germline.

Eurofins Ntd Llc (ga)
Classification: Likely benign. Last evaluated: 2017-04-28. Review status: criteria provided, single submitter. Criteria: EGL Classification Definitions 2015. Collection method: clinical testing. Allele origin: germline. Observed: 1 variant allele, 1 heterozygote.

Illumina Laboratory Services, Illumina
Classification: Likely benign for Lynch syndrome 5. Last evaluated: 2017-04-28. Review status: criteria provided, single submitter. Criteria: ICSL Variant Classification Criteria 13 December 2019. Collection method: clinical testing. Allele origin: germline.
Comment: This variant was observed as part of a predisposition screen in an ostensibly healthy population. A literature search was performed for the gene, cDNA change, and amino acid change (where applicable). No publications were found based on this search. Allele frequency data from public databases allowed determination this variant is unlikely to cause disease. Therefore, this variant is classified as likely benign.

Genetic Services Laboratory, University of Chicago
Classification: Likely benign. Last evaluated: 2017-04-17. Review status: criteria provided, single submitter. Criteria: ACMG Guidelines, 2015. Collection method: clinical testing. Allele origin: germline. Affected: no.

Women's Health and Genetics/Laboratory Corporation of America, LabCorp
Classification: Benign. Last evaluated: 2016-01-04. Review status: criteria provided, single submitter. Criteria: LabCorp Variant Classification Summary - May 2015. Collection method: clinical testing. Allele origin: germline.

Color Diagnostics, LLC DBA Color Health
Classification: Benign for Hereditary cancer-predisposing syndrome. Last evaluated: 2015-09-22. Review status: criteria provided, single submitter. Criteria: ACMG Guidelines, 2015. Collection method: clinical testing. Allele origin: germline.

Ambry Genetics
Classification: Likely benign for Hereditary cancer-predisposing syndrome. Last evaluated: 2014-06-24. Review status: criteria provided, single submitter. Criteria: Ambry Variant Classification Scheme 2023. Collection method: clinical testing. Allele origin: germline.

GeneDx
Classification: Benign. Last evaluated: 2014-02-14. Review status: criteria provided, single submitter. Criteria: GeneDx Variant Classification (06012015). Collection method: clinical testing. Allele origin: germline. Affected: yes.
Comment: This variant is considered likely benign or benign based on one or more of the following criteria: it is a conservative change, it occurs at a poorly conserved position in the protein, it is predicted to be benign by multiple in silico algorithms, and/or has population frequency not consistent with disease.

Breakthrough Genomics
Classification: Likely benign. Review status: criteria provided, single submitter. Criteria: ACMG Guidelines, 2015. Collection method: not provided. Allele origin: germline. Inheritance: Autosomal recessive inheritance. Affected: yes.

Counsyl
Classification: Likely benign for Lynch syndrome 5. Last evaluated: 2016-06-29. Review status: no assertion criteria provided. Collection method: clinical testing. Allele origin: unknown. Not counted in ClinVar's aggregate classification.

Department of Pathology and Laboratory Medicine, Sinai Health System
Classification: Likely benign for Malignant tumor of breast. Review status: no assertion criteria provided. Collection method: clinical testing. Allele origin: unknown. Affected: yes. Study: The Canadian Open Genetics Repository (COGR). Not counted in ClinVar's aggregate classification.
Comment: The MSH6 p.Ser328Ser= variant was not identified in the literature. The variant was identified in dbSNP (rs138143769) as â€šÃ„Ãºwith uncertain significance, other alleleâ€šÃ„Ã¹, ClinVar (classified as benign by Invitae, GeneDx, Color and 3 other submitters; and as likely benign by Ambry Genetics, Eurofins, Counsyl and 1 other submitter) and UMD-LSDB (observed 1x). The variant was identified in control databases in 81 of 282,780 chromosomes (1 homozygous) at a frequency of 0.0003 (Genome Aggregation Database Feb 27, 2017). The variant was observed in the following populations: African in 72 of 24,954 chromosomes (freq: 0.003, increasing the likelihood this could be a low frequency benign variant), Latino in 5 of 35,436 chromosomes (freq: 0.0001), and European in 4 of 129,118 chromosomes (freq: 0.00003), while it was not observed in the Ashkenazi Jewish, East Asian, Finnish, Other, or South Asian populations. The p.Ser328= variant is not expected to have clinical significance because it does not result in a change of amino acid and is not located in a known consensus splice site. The variant occurs at a non-highly conserved nucleotide outside of the splicing consensus sequence and in silico or computational prediction software programs (SpliceSiteFinder, MaxEntScan, NNSPLICE, GeneSplicer) do not predict a difference in splicing. In summary, based on the above information, the clinical significance of this variant cannot be determined with certainty at this time although we would lean towards a more benign role for this variant. This variant is classified as likely benign.

NM_000179.3(MSH6):c.984C>T (p.Ser328=)

Gene: MSH6 (mutS homolog 6; plus strand). Cytogenetic location: 2p16.3.
Variant type: single nucleotide variant.
Coding change: c.984C>T on transcript NM_000179.3 (MANE Select); coding-DNA position 984, C replaced by T.
Protein change: p.Ser328=; no amino-acid change (serine 328 retained).
Molecular consequence: synonymous variant.
Genome position (GRCh38, 1-based): chr2:47,798,967, C>T. VCF-style: chr2-47798967-C-T. GRCh37 (hg19) VCF-style: chr2-48026106-C-T.
Other names: p.S328S:AGC>AGT; c.594C>T, p.Ser198= (NM_001281492.2); c.78C>T, p.Ser26= (NM_001281493.2, NM_001281494.2).
Identifiers: ClinVar variation 138256 (VCV000138256.72), dbSNP rs138143769, ClinGen allele CA016762.